The following is an entry in ClinVar:

ClinVar aggregate classification (germline): Likely benign (1 of 4 stars; one submission).

Allele frequency attached by ClinVar (database versions not stated): ExAC 0.00009; gnomAD 0.00012; TOPMed 0.00020; ESP Exome Variant Server 0.00023.
gnomAD v4.1: 155 of 1,610,340 alleles (0.0096%); highest among the groups gnomAD compares: South Asian, 0.0033%; no homozygotes.

Submission:

CeGaT Center for Human Genetics Tuebingen
Classification: Likely benign. Last evaluated: 2023-12-01. Review status: criteria provided, single submitter. Criteria: CeGaT Center For Human Genetics Tuebingen Variant Classification Criteria Version 2. Collection method: clinical testing. Allele origin: germline. Affected: yes. Observed: 1 variant allele.
Comment: FRMD1: BP4, BP7

NM_024919.6(FRMD1):c.1497G>A (p.Ala499=)

Gene: FRMD1 (FERM domain containing 1; minus strand). Cytogenetic location: 6q27.
Variant type: single nucleotide variant.
Coding change: c.1497G>A on transcript NM_024919.6 (MANE Select); coding-DNA position 1497, G replaced by A.
Protein change: p.Ala499=; no amino-acid change (alanine 499 retained).
Molecular consequence: synonymous variant. On other transcripts: non-coding transcript variant (1).
Genome position (GRCh38, 1-based): chr6:168,057,250, C>T on the plus strand (G>A on the coding strand, the complement: FRMD1 is on the minus strand). VCF-style: chr6-168057250-C-T. GRCh37 (hg19) VCF-style: chr6-168457930-C-T.
Other names: c.1293G>A, p.Ala431= (NM_001122841.3); c.1302G>A, p.Ala434= (NM_001394681.1).
Identifiers: ClinVar variation 3025526 (VCV003025526.22), dbSNP rs144169920, ClinGen allele CA4100913.